The following is an entry in ClinVar:

ClinVar aggregate classification (germline): Pathogenic/Likely pathogenic. Review status: criteria provided, multiple submitters, no conflicts (2 of 4 stars). 5 submissions from 5 submitters: Pathogenic (3); Likely pathogenic (1). 1 of the submissions does not count toward it. Last evaluated 2023-12-13.

Conditions:
RASopathy. Also called: Noonan spectrum disorder; rasopathies. Identifiers: Orphanet 536391, MedGen C5555857, MONDO:0021060.
Noonan syndrome (NS). Also called: Noonan's syndrome. Identifiers: Orphanet 648, MedGen C0028326, MeSH D009634, MONDO:0018997. Disease mechanism: gain of function.
Noonan syndrome 4 (NS4). Also called: SOS1-Related Noonan Syndrome; NOONAN SYNDROME WITH PIGMENTED VILLONODULAR SYNOVITIS. Identifiers: Orphanet 648, MedGen C1853120, MONDO:0012547, OMIM 610733.

Submissions (5):

GeneDx
Classification: Likely pathogenic. Last evaluated: 2023-12-13. Review status: criteria provided, single submitter. Criteria: GeneDx Variant Classification Process June 2021. Collection method: clinical testing. Allele origin: germline. Affected: yes.
Comment: Identified in patients with a SOS1-related RASopathy in published literature (PMID: 30417923, 29402968); Not observed at significant frequency in large population cohorts (gnomAD); In silico analysis supports that this missense variant has a deleterious effect on protein structure/function; Missense variants in this gene are a common cause of disease and they are underrepresented in the general population; Published functional studies demonstrate that the variant does not result in significantly increased pERK levels but does cause an increased RAS exchange rate (PMID: 23487764); This variant is associated with the following publications: (PMID: 35386434, 20133692, 17143285, 22420426, 30417923, 29402968, 33848766, 22465605, 23487764)

Genomic Medicine Lab, University of California San Francisco
Classification: Pathogenic for Noonan syndrome 4. Last evaluated: 2023-08-16. Review status: criteria provided, single submitter. Criteria: ACMG Guidelines, 2015. Collection method: clinical testing. Allele origin: de novo. Affected: yes.

Labcorp Genetics (formerly Invitae), Labcorp
Classification: Pathogenic for RASopathy. Last evaluated: 2023-01-24. Review status: criteria provided, single submitter. Criteria: Invitae Variant Classification Sherloc (09022015). Collection method: clinical testing. Allele origin: germline.
Comment: For these reasons, this variant has been classified as Pathogenic. Experimental studies have shown that this missense change affects SOS1 function (PMID: 20133692, 23487764). Advanced modeling of protein sequence and biophysical properties (such as structural, functional, and spatial information, amino acid conservation, physicochemical variation, residue mobility, and thermodynamic stability) has been performed at Invitae for this missense variant, however the output from this modeling did not meet the statistical confidence thresholds required to predict the impact of this variant on SOS1 protein function. ClinVar contains an entry for this variant (Variation ID: 40679). This missense change has been observed in individuals with RASopathy disorders (PMID: 17143285, 22420426, 29402968). This variant is not present in population databases (gnomAD no frequency). This sequence change replaces serine, which is neutral and polar, with arginine, which is basic and polar, at codon 548 of the SOS1 protein (p.Ser548Arg).

Genome-Nilou Lab
Classification: Pathogenic for Noonan syndrome 4. Review status: criteria provided, single submitter. Criteria: ACMG Guidelines, 2015. Collection method: clinical testing. Allele origin: germline.

Service de Génétique Moléculaire, Hôpital Robert Debré
Classification: Uncertain significance for Noonan syndrome. Review status: no assertion criteria provided. Collection method: clinical testing. Allele origin: unknown. Affected: yes. Not counted in ClinVar's aggregate classification.

Literature cited by the submitters: PubMed 20133692 (cited by Labcorp Genetics (formerly Invitae), Labcorp); PubMed 23487764 (cited by Labcorp Genetics (formerly Invitae), Labcorp); PubMed 17143285 (cited by Labcorp Genetics (formerly Invitae), Labcorp); PubMed 22420426 (cited by Labcorp Genetics (formerly Invitae), Labcorp); PubMed 29402968 (cited by Labcorp Genetics (formerly Invitae), Labcorp).

NM_005633.4(SOS1):c.1644T>A (p.Ser548Arg)

Gene: SOS1 (SOS Ras/Rac guanine nucleotide exchange factor 1; minus strand). Cytogenetic location: 2p22.1.
Variant type: single nucleotide variant.
Coding change: c.1644T>A on transcript NM_005633.4 (MANE Select); coding-DNA position 1644, T replaced by A.
Protein change: p.Ser548Arg; replaces serine 548 with arginine.
Molecular consequence: missense variant.
Genome position (GRCh38, 1-based): chr2:39,022,784, A>T on the plus strand (T>A on the coding strand, the complement: SOS1 is on the minus strand). VCF-style: chr2-39022784-A-T. GRCh37 (hg19) VCF-style: chr2-39249925-A-T.
Other names: p.S548R:AGT>AGA; c.1623T>A, p.Ser541Arg (NM_001382394.1); c.1644T>A, p.Ser548Arg (NM_001382395.1); short protein forms S548R, S541R.
Identifiers: ClinVar variation 40679 (VCV000040679.12), dbSNP rs730881045, ClinGen allele CA297272.
Genomic context (GRCh38, chr2:39,022,784, plus strand): 5'-CCTCATCTGCTCCTCTTTCTCTTCCTGTAGCATTGTTACATCAAGCATCCTTTCCAGTGT[A>T]CTCCGGTACTGTAAAGATATCAATGCTGCCATCCAATTGTTTTTCTCTTCAGCTGACTTG-3'
Protein context (NP_005624.2, residues 538-558): MAALISLQYR[Ser548Arg]TLERMLDVTM